The following is an entry in ClinVar:

ClinVar aggregate classification (germline): Uncertain significance (1 of 4 stars; one submission).

Conditions:
Hereditary cancer-predisposing syndrome. Also called: Hereditary neoplastic syndrome; Neoplastic Syndromes, Hereditary; Tumor predisposition; Hereditary Cancer Syndrome. Identifiers: Orphanet 140162, MedGen C0027672, MeSH D009386, MONDO:0015356.

Submission:

Ambry Genetics
Classification: Uncertain significance for Hereditary cancer-predisposing syndrome. Last evaluated: 2014-09-29. Review status: criteria provided, single submitter. Criteria: Ambry Variant Classification Scheme 2023. Collection method: clinical testing. Allele origin: germline.
Comment: The p.A102V variant (also known as c.305C>T), located in coding exon 3 of the CDH1 gene, results from a C to T substitution at nucleotide position 305. The alanine at codon 102 is replaced by valine, an amino acid with similar properties. This variant was not reported in population based cohorts in the following databases: Database of Single Nucleotide Polymorphisms (dbSNP), NHLBI Exome Sequencing Project (ESP), and 1000 Genomes Project. In the ESP, this variant was not observed in 6498 samples (12996 alleles) with coverage at this position. To date, this alteration has been detected with an allele frequency of approximately 0.002% (greater than 45000 alleles tested) in our clinical cohort. This amino acid position is well conserved in available vertebrate species. In addition, this alteration is predicted to be benign by PolyPhen but deleterious by SIFT in silico analyses, respectively. Since supporting evidence is limited at this time, the clinical significance of p.A102V remains unclear.

NM_004360.5(CDH1):c.305C>T (p.Ala102Val)

Gene: CDH1 (cadherin 1; plus strand). Cytogenetic location: 16q22.1.
Variant type: single nucleotide variant.
Coding change: c.305C>T on transcript NM_004360.5 (MANE Select); coding-DNA position 305, C replaced by T.
Protein change: p.Ala102Val; replaces alanine 102 with valine.
Molecular consequence: missense variant. On other transcripts: 5 prime UTR variant (2).
Genome position (GRCh38, 1-based): chr16:68,801,811, C>T. VCF-style: chr16-68801811-C-T. GRCh37 (hg19) VCF-style: chr16-68835714-C-T.
Other names: c.305C>T, p.Ala102Val (NM_001317184.2); c.-1311C>T (NM_001317185.2); c.-1515C>T (NM_001317186.2); c.305C>T (LRG_301t1); short protein forms A102V.
Identifiers: ClinVar variation 186096 (VCV000186096.5), dbSNP rs786202689, ClinGen allele CA193857.
Genomic context (GRCh38, chr16:68,801,811, plus strand): 5'-TGATTACAGTCAAAAGGCCTCTACGGTTTCATAACCCACAGATCCATTTCTTGGTCTACG[C>T]CTGGGACTCCACCTACAGAAAGTTTTCCACCAAAGTCACGCTGAATACAGTGGGGCACCA-3'
Protein context (NP_004351.1, residues 92-112): HNPQIHFLVY[Ala102Val]WDSTYRKFST